The following is an entry in ClinVar:

ClinVar aggregate classification (germline): Conflicting classifications of pathogenicity. Review status: criteria provided, conflicting classifications (1 of 4 stars). 6 submissions from 6 submitters: Likely pathogenic (1); Uncertain significance (5). Last evaluated 2026-01-12.

Conditions:
Ehlers-Danlos syndrome, classic type, 1 (EDSCL1). Also called: EHLERS-DANLOS SYNDROME, GRAVIS TYPE; EHLERS-DANLOS SYNDROME, SEVERE CLASSIC TYPE; Ehlers-Danlos syndrome, type 1; EDS I; Ehlers-Danlos Syndrome, Classic Type, COL5A1-Related. Identifiers: MedGen C0268335, MONDO:0019567, OMIM 130000.
Ehlers-Danlos syndrome, classic type, 2 (EDSCL2). Also called: Ehlers-Danlos syndrome, type 2; Ehlers-Danlos syndrome type 2 (formerly); Ehlers-Danlos Syndrome, Classic Type, COL5A2-Related. Identifiers: Orphanet 287, Orphanet 90318, MedGen C0268336, MONDO:0019568, OMIM 130010.
Familial thoracic aortic aneurysm and aortic dissection (TAAD). Also called: Thoracic aortic aneurysms and dissections. Identifiers: Orphanet 91387, MedGen C4707243, MONDO:0019625.

Allele frequency attached by ClinVar (database versions not stated): gnomAD exomes 0.00003 and 0.00001; ESP Exome Variant Server 0.00008; gnomAD 0.00003; TOPMed 0.00003; ExAC 0.00002.
gnomAD v4.1: 43 of 1,611,348 alleles (0.0027%); highest among the groups gnomAD compares: Non-Finnish European, 0.0033%; no homozygotes.

Submissions (6):

Labcorp Genetics (formerly Invitae), Labcorp
Classification: Likely pathogenic for Ehlers-Danlos syndrome, classic type, 1. Last evaluated: 2026-01-12. Review status: criteria provided, single submitter. Criteria: Invitae Variant Classification Sherloc (09022015). Collection method: clinical testing. Allele origin: germline.
Comment: This sequence change falls in intron 15 of the COL5A2 gene. It does not directly change the encoded amino acid sequence of the COL5A2 protein. It affects a nucleotide within the consensus splice site. This variant is present in population databases (rs375809563, gnomAD 0.003%). This variant has been observed in individuals with Ehlers-Danlos syndrome (internal data). It has also been observed to segregate with disease in related individuals. ClinVar contains an entry for this variant (Variation ID: 1369746). Variants that disrupt the consensus splice site are a relatively common cause of aberrant splicing (PMID: 17576681, 9536098). Algorithms developed to predict the effect of sequence changes on RNA splicing suggest that this variant may disrupt the consensus splice site. In summary, the currently available evidence indicates that the variant is pathogenic, but additional data are needed to prove that conclusively. Therefore, this variant has been classified as Likely Pathogenic.

Ambry Genetics
Classification: Uncertain significance for Familial thoracic aortic aneurysm and aortic dissection. Last evaluated: 2025-09-05. Review status: criteria provided, single submitter. Criteria: Ambry Variant Classification Scheme 2023. Collection method: clinical testing. Allele origin: germline.
Comment: The c.1005+3A>G intronic variant results from an A to G substitution 3 nucleotides after coding exon 15 in the COL5A2 gene. This nucleotide position is not well conserved in available vertebrate species. In silico splice site analysis for this alteration is inconclusive. Since supporting evidence is limited at this time, the clinical significance of this alteration remains unclear.

GeneDx
Classification: Uncertain significance. Last evaluated: 2024-02-06. Review status: criteria provided, single submitter. Criteria: GeneDx Variant Classification Process June 2021. Collection method: clinical testing. Allele origin: germline. Affected: yes.
Comment: Has not been previously published as pathogenic or benign to our knowledge; Not observed at significant frequency in large population cohorts (gnomAD); In silico analysis is inconclusive as to whether the variant alters gene splicing. In the absence of RNA/functional studies, the actual effect of this sequence change is unknown.

Women's Health and Genetics/Laboratory Corporation of America, LabCorp
Classification: Uncertain significance. Last evaluated: 2023-10-09. Review status: criteria provided, single submitter. Criteria: LabCorp Variant Classification Summary - May 2015. Collection method: clinical testing. Allele origin: germline.

Mayo Clinic Laboratories, Mayo Clinic
Classification: Uncertain significance. Last evaluated: 2023-06-30. Review status: criteria provided, single submitter. Criteria: ACMG Guidelines, 2015. Collection method: clinical testing. Allele origin: germline. Observed: 1 variant allele.

Fulgent Genetics
Classification: Uncertain significance for Ehlers-Danlos syndrome, classic type, 2. Last evaluated: 2021-11-03. Review status: criteria provided, single submitter. Criteria: ACMG Guidelines, 2015. Collection method: clinical testing. Allele origin: unknown.

Literature cited by the submitters: PubMed 17576681 (cited by Labcorp Genetics (formerly Invitae), Labcorp); PubMed 9536098 (cited by Labcorp Genetics (formerly Invitae), Labcorp).

NM_000393.5(COL5A2):c.1005+3A>G

Gene: COL5A2 (collagen type V alpha 2 chain; minus strand). Cytogenetic location: 2q32.2.
Variant type: single nucleotide variant.
Coding change: c.1005+3A>G on transcript NM_000393.5 (MANE Select); 3 bases into the intron after coding-DNA position 1005, A replaced by G.
Molecular consequence: intron variant.
Genome position (GRCh38, 1-based): chr2:189,079,060, T>C on the plus strand (A>G on the coding strand, the complement: COL5A2 is on the minus strand). VCF-style: chr2-189079060-T-C. GRCh37 (hg19) VCF-style: chr2-189943786-T-C.
Other names: p.?.
Identifiers: ClinVar variation 1369746 (VCV001369746.14), dbSNP rs375809563, ClinGen allele CA2022872.